The following is an entry in ClinVar:

NM_015205.3(ATP11A):c.1803C>T (p.Asn601=)

Gene: ATP11A (ATPase phospholipid transporting 11A; plus strand). Cytogenetic location: 13q34.
Variant type: single nucleotide variant.
Coding change: c.1803C>T on transcript NM_015205.3 (MANE Select); coding-DNA position 1803, C replaced by T.
Protein change: p.Asn601=; no amino-acid change (asparagine 601 retained).
Molecular consequence: synonymous variant.
Genome position (GRCh38, 1-based): chr13:112,842,373, C>T. VCF-style: chr13-112842373-C-T. GRCh37 (hg19) VCF-style: chr13-113496687-C-T.
Other names: c.1803C>T, p.Asn601= (NM_032189.4).
Identifiers: ClinVar variation 787413 (VCV000787413.25), dbSNP rs141899520, ClinGen allele CA7056940.

ClinVar aggregate classification (germline): Benign/Likely benign. Review status: criteria provided, multiple submitters, no conflicts (2 of 4 stars). 5 submissions from 5 submitters: Benign (2); Likely benign (2). 1 of the submissions does not count toward it. Last evaluated 2026-05-01.

Conditions:
ATP11A-related disorder. Also called: ATP11A-related condition.

Allele frequency attached by ClinVar (database versions not stated): 1000 Genomes Project 0.00180; 1000 Genomes Project 30x 0.00203; TOPMed 0.00230; gnomAD 0.00234 and 0.00243; ESP Exome Variant Server 0.00239.
gnomAD v4.1: 3,637 of 1,603,310 alleles (0.23%); highest among the groups gnomAD compares: African/African-American, 0.33%; 11 homozygotes.

Submissions (5):

CeGaT Center for Human Genetics Tuebingen
Classification: Likely benign. Last evaluated: 2026-05-01. Review status: criteria provided, single submitter. Criteria: CeGaT Center For Human Genetics Tuebingen Variant Classification Criteria Version 2. Collection method: clinical testing. Allele origin: germline. Affected: yes. Observed: 4 variant alleles.
Comment: ATP11A: BP4, BP7

Blueprint Genetics
Classification: Likely benign. Last evaluated: 2024-11-13. Review status: criteria provided, single submitter. Criteria: ACMG Guidelines, 2015. Collection method: clinical testing. Allele origin: germline.

Labcorp Genetics (formerly Invitae), Labcorp
Classification: Benign. Last evaluated: 2019-12-31. Review status: criteria provided, single submitter. Criteria: Invitae Variant Classification Sherloc (09022015). Collection method: clinical testing. Allele origin: germline.

Breakthrough Genomics
Classification: Benign. Review status: criteria provided, single submitter. Criteria: ACMG Guidelines, 2015. Collection method: not provided. Allele origin: germline. Inheritance: Autosomal dominant inheritance. Affected: yes.

PreventionGenetics, part of Exact Sciences
Classification: Likely benign for ATP11A-related condition. Last evaluated: 2024-03-04. Review status: no assertion criteria provided. Collection method: clinical testing. Allele origin: germline. Not counted in ClinVar's aggregate classification.
Comment: This variant is classified as likely benign based on ACMG/AMP sequence variant interpretation guidelines (Richards et al. 2015 PMID: 25741868, with internal and published modifications).